The following is an entry in ClinVar:

NM_000428.3(LTBP2):c.740G>A (p.Arg247His)

Gene: LTBP2 (latent transforming growth factor beta binding protein 2; minus strand). Cytogenetic location: 14q24.3.
Variant type: single nucleotide variant.
Coding change: c.740G>A on transcript NM_000428.3 (MANE Select); coding-DNA position 740, G replaced by A.
Protein change: p.Arg247His; replaces arginine 247 with histidine.
Molecular consequence: missense variant.
Genome position (GRCh38, 1-based): chr14:74,585,944, C>T on the plus strand (G>A on the coding strand, the complement: LTBP2 is on the minus strand). VCF-style: chr14-74585944-C-T. GRCh37 (hg19) VCF-style: chr14-75052647-C-T.
Other names: c.740G>A (NM_000428.2); short protein forms R247H.
Identifiers: ClinVar variation 2060058 (VCV002060058.3), dbSNP rs770132775, ClinGen allele CA7270108.

ClinVar aggregate classification (germline): Uncertain significance. Review status: criteria provided, multiple submitters, no conflicts (2 of 4 stars). 2 submissions from 2 submitters: Uncertain significance (2). Last evaluated 2025-04-09.

Conditions:
Inborn genetic diseases. Identifiers: MedGen C0950123, MeSH D030342.

gnomAD v4.1: 57 of 1,613,730 alleles (0.0035%); highest among the groups gnomAD compares: Non-Finnish European, 0.0045%; no homozygotes.

Submissions (2):

Ambry Genetics
Classification: Uncertain significance for Inborn genetic diseases. Last evaluated: 2025-04-09. Review status: criteria provided, single submitter. Criteria: Ambry Variant Classification Scheme 2023. Collection method: clinical testing. Allele origin: germline.

Labcorp Genetics (formerly Invitae), Labcorp
Classification: Uncertain significance. Last evaluated: 2023-12-17. Review status: criteria provided, single submitter. Criteria: Invitae Variant Classification Sherloc (09022015). Collection method: clinical testing. Allele origin: germline.
Comment: This sequence change replaces arginine, which is basic and polar, with histidine, which is basic and polar, at codon 247 of the LTBP2 protein (p.Arg247His). This variant is present in population databases (rs770132775, gnomAD 0.004%). This variant has not been reported in the literature in individuals affected with LTBP2-related conditions. ClinVar contains an entry for this variant (Variation ID: 2060058). Algorithms developed to predict the effect of missense changes on protein structure and function output the following: SIFT: "Not Available"; PolyPhen-2: "Benign"; Align-GVGD: "Not Available". The histidine amino acid residue is found in multiple mammalian species, which suggests that this missense change does not adversely affect protein function. In summary, the available evidence is currently insufficient to determine the role of this variant in disease. Therefore, it has been classified as a Variant of Uncertain Significance.